The following is an entry in ClinVar:

NC_000015.9:g.(?_72103084)_(74244178_?)del

Genes: CD276 (CD276 molecule; plus strand), INSYN1 (inhibitory synaptic factor 1; minus strand), LOXL1 (lysyl oxidase like 1; plus strand), MYO9A (myosin IXA; minus strand), NEO1 (neogenin 1; plus strand) and 16 more. Cytogenetic location: 15q23-24.1.
Variant type: Deletion.
Identifiers: ClinVar variation 1458323 (VCV001458323.1).

ClinVar aggregate classification (germline): Pathogenic (1 of 4 stars; one submission).

Conditions:
Tay-Sachs disease (TSD). Also called: HEXA DEFICIENCY; GM2 gangliosidosis, type 1; Hexosaminidase alpha-subunit deficiency (variant B); Sphingolipidosis, Tay-Sachs; Hexosaminidase A Deficiency; HEXA Disorders. Identifiers: Orphanet 845, MedGen C0039373, MONDO:0010100, OMIM 272800.

Submission:

Labcorp Genetics (formerly Invitae), Labcorp
Classification: Pathogenic for Tay-Sachs disease. Last evaluated: 2021-02-03. Review status: criteria provided, single submitter. Criteria: Invitae Variant Classification Sherloc (09022015). Collection method: clinical testing. Allele origin: germline.
Comment: A gross deletion of the genomic region encompassing the full coding sequence of the HEXA gene has been identified. Loss-of-function variants in HEXA are known to be pathogenic (PMID: 1833974, 8490625). The boundaries of this event are unknown as they extend beyond the assayed region for this gene and therefore may encompass additional genes. This variant has not been reported in the literature in individuals with HEXA-related conditions. For these reasons, this variant has been classified as Pathogenic.

Literature cited by the submitters: PubMed 1833974; PubMed 8490625.